The following is an entry in ClinVar:

NM_018979.4(WNK1):c.7124del (p.Pro2375fs)

Gene: WNK1 (WNK lysine deficient protein kinase 1; plus strand). Cytogenetic location: 12p13.33.
Variant type: Deletion.
Coding change: c.7124del on transcript NM_018979.4 (MANE Select); coding-DNA position 7124, one base deleted (C; older notation c.7124delC).
Protein change: p.Pro2375fs; shifts the reading frame from proline 2375.
Molecular consequence: frameshift variant.
Genome position (GRCh38, 1-based): chr12:908,767, C deleted; the last of 6 consecutive C bases (chr12:908,762-908,767); deleting any one gives the same sequence. VCF-style (leftmost placement, unchanged base first): chr12-908761-AC-A. GRCh37 (hg19) VCF-style: chr12-1017927-AC-A.
Other names: c.6380del, p.Pro2127fs (NM_014823.3); c.7880del, p.Pro2627fs (NM_213655.5); c.7904del, p.Pro2635fs (NM_001184985.2); short protein forms P2127fs, P2375fs, P2635fs, P2627fs.
Identifiers: ClinVar variation 2775410 (VCV002775410.2), dbSNP rs1565626263, ClinGen allele CA645593366.

ClinVar aggregate classification (germline): Uncertain significance (1 of 4 stars; one submission).

Conditions:
Hereditary motor and sensory neuropathy. Identifiers: MedGen C0027888, MONDO:0015358.

Submission:

MVZ Dr. Eberhard & Partner Dortmund
Classification: Uncertain significance for Hereditary motor and sensory neuropathy. Last evaluated: 2023-06-26. Review status: criteria provided, single submitter. Criteria: ACMG Guidelines, 2015. Collection method: clinical testing. Allele origin: unknown. Observed: 1 heterozygote.
Comment: This variant was absent from literature, variant databases and control databases. The sequence change may lead to a frameshift in the last exon, which may change the last 8 amino acids and add another 6 amino acids. So far there are no 3' frame shift mutations known for this gene.